The following is an entry in ClinVar:

ClinVar aggregate classification (germline): Uncertain significance (1 of 4 stars; one submission).

Allele frequency attached by ClinVar (database versions not stated): gnomAD exomes below 0.00001; ExAC 0.00001.
gnomAD v4.1: 1 of 1,614,138 alleles (0.000062%); highest among the groups gnomAD compares: Admixed American, 0.0017%; no homozygotes.

Submission:

Labcorp Genetics (formerly Invitae), Labcorp
Classification: Uncertain significance. Last evaluated: 2022-09-27. Review status: criteria provided, single submitter. Criteria: Invitae Variant Classification Sherloc (09022015). Collection method: clinical testing. Allele origin: germline.
Comment: Algorithms developed to predict the effect of missense changes on protein structure and function are either unavailable or do not agree on the potential impact of this missense change (SIFT: "Tolerated"; PolyPhen-2: "Possibly Damaging"; Align-GVGD: "Class C0"). This variant has not been reported in the literature in individuals affected with NIN-related conditions. In summary, the available evidence is currently insufficient to determine the role of this variant in disease. Therefore, it has been classified as a Variant of Uncertain Significance. This sequence change replaces alanine, which is neutral and non-polar, with valine, which is neutral and non-polar, at codon 363 of the NIN protein (p.Ala363Val). This variant is present in population databases (rs779360799, gnomAD 0.003%).

NM_020921.4(NIN):c.1088C>T (p.Ala363Val)

Gene: NIN (ninein; minus strand). Cytogenetic location: 14q22.1.
Variant type: single nucleotide variant.
Coding change: c.1088C>T on transcript NM_020921.4 (MANE Select); coding-DNA position 1088, C replaced by T.
Protein change: p.Ala363Val; replaces alanine 363 with valine.
Molecular consequence: missense variant.
Genome position (GRCh38, 1-based): chr14:50,771,362, G>A on the plus strand (C>T on the coding strand, the complement: NIN is on the minus strand). VCF-style: chr14-50771362-G-A. GRCh37 (hg19) VCF-style: chr14-51238080-G-A.
Other names: c.1088C>T, p.Ala363Val (NM_016350.5, NM_182944.3, NM_182946.2); short protein forms A363V.
Identifiers: ClinVar variation 2120345 (VCV002120345.4), dbSNP rs779360799, ClinGen allele CA7182292.